The following is an entry in ClinVar:

NM_000051.4(ATM):c.1798C>A (p.His600Asn)

Gene: ATM (ATM serine/threonine kinase; plus strand). Cytogenetic location: 11q22.3.
Variant type: single nucleotide variant.
Coding change: c.1798C>A on transcript NM_000051.4 (MANE Select); coding-DNA position 1798, C replaced by A.
Protein change: p.His600Asn; replaces histidine 600 with asparagine.
Molecular consequence: missense variant.
Genome position (GRCh38, 1-based): chr11:108,252,027, C>A. VCF-style: chr11-108252027-C-A. GRCh37 (hg19) VCF-style: chr11-108122754-C-A.
Other names: c.1798C>A, p.His600Asn (NM_001351834.2); short protein forms H600N.
Identifiers: ClinVar variation 578177 (VCV000578177.18), dbSNP rs1555072089, ClinGen allele CA382535578.

ClinVar aggregate classification (germline): Uncertain significance. Review status: criteria provided, multiple submitters, no conflicts (2 of 4 stars). 3 submissions from 3 submitters: Uncertain significance (2). 1 of the submissions does not count toward it. Last evaluated 2025-08-10.

Conditions:
Hereditary cancer-predisposing syndrome. Also called: Hereditary neoplastic syndrome; Tumor predisposition; Hereditary Cancer Syndrome; Neoplastic Syndromes, Hereditary. Identifiers: Orphanet 140162, MedGen C0027672, MeSH D009386, MONDO:0015356.
Ataxia-telangiectasia syndrome (AT). Also called: Cerebello-oculocutaneous telangiectasia; Immunodeficiency with ataxia telangiectasia; Ataxia telangiectasia (A-T); Ataxia-telangiectasia, complementation group E; LOUIS-BAR SYNDROME; Ataxia-telangiectasia. Identifiers: Orphanet 100, MedGen C0004135, MONDO:0008840, OMIM 208900.

Submissions (3):

Ambry Genetics
Classification: Uncertain significance for Hereditary cancer-predisposing syndrome. Last evaluated: 2025-08-10. Review status: criteria provided, single submitter. Criteria: Ambry Variant Classification Scheme 2023. Collection method: clinical testing. Allele origin: germline.
Comment: The p.H600N variant (also known as c.1798C>A), located in coding exon 10 of the ATM gene, results from a C to A substitution at nucleotide position 1798. The histidine at codon 600 is replaced by asparagine, an amino acid with similar properties. This amino acid position is not well conserved in available vertebrate species. In addition, this alteration is predicted to be tolerated by in silico analysis. Since supporting evidence is limited at this time, the clinical significance of this alteration remains unclear.

Labcorp Genetics (formerly Invitae), Labcorp
Classification: Uncertain significance for Ataxia-telangiectasia syndrome. Last evaluated: 2022-08-21. Review status: criteria provided, single submitter. Criteria: Invitae Variant Classification Sherloc (09022015). Collection method: clinical testing. Allele origin: germline.
Comment: This sequence change replaces histidine, which is basic and polar, with asparagine, which is neutral and polar, at codon 600 of the ATM protein (p.His600Asn). This variant is not present in population databases (gnomAD no frequency). This variant has not been reported in the literature in individuals affected with ATM-related conditions. ClinVar contains an entry for this variant (Variation ID: 578177). Advanced modeling of protein sequence and biophysical properties (such as structural, functional, and spatial information, amino acid conservation, physicochemical variation, residue mobility, and thermodynamic stability) performed at Invitae indicates that this missense variant is not expected to disrupt ATM protein function. In summary, the available evidence is currently insufficient to determine the role of this variant in disease. Therefore, it has been classified as a Variant of Uncertain Significance.

Natera, Inc.
Classification: Uncertain significance for Ataxia-telangiectasia. Last evaluated: 2021-04-01. Review status: no assertion criteria provided. Collection method: clinical testing. Allele origin: germline. Not counted in ClinVar's aggregate classification.